The following is an entry in ClinVar:

NM_001382567.1(STIM1):c.314A>C (p.His105Pro)

Gene: STIM1 (stromal interaction molecule 1; plus strand). Cytogenetic location: 11p15.4.
Variant type: single nucleotide variant.
Coding change: c.314A>C on transcript NM_001382567.1 (MANE Select); coding-DNA position 314, A replaced by C.
Protein change: p.His105Pro; replaces histidine 105 with proline.
Molecular consequence: missense variant. On other transcripts: 5 prime UTR variant (3), non-coding transcript variant (3).
Genome position (GRCh38, 1-based): chr11:4,023,916, A>C. VCF-style: chr11-4023916-A-C. GRCh37 (hg19) VCF-style: chr11-4045146-A-C.
Other names: c.92A>C, p.His31Pro (NM_001382575.1, NM_001382576.1, NM_001382577.1 and 5 more transcripts); c.-176A>C (NM_001382580.1, NM_001382581.1); c.314A>C, p.His105Pro (NM_003156.4, NM_001277961.3, NM_001277962.2 and 3 more transcripts); c.179A>C, p.His60Pro (NM_001382569.1); c.-55A>C (NM_001382571.1); short protein forms H105P, H31P, H60P.
Identifiers: ClinVar variation 2938347 (VCV002938347.3), dbSNP rs2497906269, ClinGen allele CA379485251.

ClinVar aggregate classification (germline): Uncertain significance (1 of 4 stars; one submission).

Conditions:
Myopathy with tubular aggregates (TAM). Also called: Tubular Aggregate Myopathy. Identifiers: Orphanet 2593, MedGen C0410207, MONDO:0008051.
Stormorken syndrome (STRMK). Also called: THROMBOCYTOPATHY, ASPLENIA, AND MIOSIS. Identifiers: Orphanet 3204, MedGen C1861451, MONDO:0008497, OMIM 185070.
Combined immunodeficiency due to STIM1 deficiency. Also called: STIM1 DEFICIENCY; IMMUNODEFICIENCY 10. Identifiers: Orphanet 169090, Orphanet 317430, MedGen C2748557, MONDO:0013008, OMIM 612783.

Submission:

Labcorp Genetics (formerly Invitae), Labcorp
Classification: Uncertain significance for Myopathy with tubular aggregates; Combined immunodeficiency due to STIM1 deficiency; Stormorken syndrome. Last evaluated: 2024-05-02. Review status: criteria provided, single submitter. Criteria: Invitae Variant Classification Sherloc (09022015). Collection method: clinical testing. Allele origin: germline.
Comment: This sequence change replaces histidine, which is basic and polar, with proline, which is neutral and non-polar, at codon 105 of the STIM1 protein (p.His105Pro). This variant is not present in population databases (gnomAD no frequency). This variant has not been reported in the literature in individuals affected with STIM1-related conditions. Advanced modeling of protein sequence and biophysical properties (such as structural, functional, and spatial information, amino acid conservation, physicochemical variation, residue mobility, and thermodynamic stability) performed at Invitae indicates that this missense variant is expected to disrupt STIM1 protein function with a positive predictive value of 80%. In summary, the available evidence is currently insufficient to determine the role of this variant in disease. Therefore, it has been classified as a Variant of Uncertain Significance.